The following is an entry in ClinVar:

ClinVar aggregate classification (germline): Pathogenic. Review status: criteria provided, multiple submitters, no conflicts (2 of 4 stars). 63 submissions from 53 submitters: Pathogenic (50). 13 of the submissions do not count toward it. Last evaluated 2026-08-06.

Conditions:
Fetal anomalies with a likely genetic cause.
Thanatophoric dysplasia type 1 (TD1). Also called: PLATYSPONDYLIC LETHAL SKELETAL DYSPLASIA, SAN DIEGO TYPE; Thanatophoric Dysplasia Type 1 (TD Type 1); LETHAL SHORT-LIMBED PLATYSPONDYLIC DWARFISM, SAN DIEGO TYPE. Identifiers: Orphanet 1860, Orphanet 2655, MedGen C1868678, MONDO:0008546, OMIM 187600. Disease mechanism: gain of function.
Thanatophoric dysplasia, type 2 (TD2). Also called: THANATOPHORIC DYSPLASIA WITH KLEEBLATTSCHAEDEL; THANATOPHORIC DYSPLASIA WITH STRAIGHT FEMURS AND CLOVERLEAF SKULL; CLOVERLEAF SKULL WITH THANATOPHORIC DWARFISM; Thanatophoric Dysplasia Type 2 (TD Type 2). Identifiers: Orphanet 2655, Orphanet 93274, MedGen C1300257, MONDO:0008547, OMIM 187601. Disease mechanism: gain of function.
Achondroplasia (ACH). Also called: Achondroplastic dwarfism. Identifiers: Orphanet 15, MedGen C0001080, MONDO:0007037, OMIM 100800. Disease mechanism: gain of function.
Malignant tumor of urinary bladder. Also called: Urinary Bladder Neoplasms; Bladder cancer; Urinary bladder cancer. Identifiers: MedGen C0005684, MONDO:0001187, OMIM 109800.
Levy-Hollister syndrome (LADD). Also called: LADD syndrome. Identifiers: Orphanet 2363, MedGen C0265269, MONDO:0007872.
Crouzon syndrome-acanthosis nigricans syndrome. Also called: CROUZONODERMOSKELETAL SYNDROME. Identifiers: Orphanet 93262, MedGen C2677099, MONDO:0012833, OMIM 612247.
Hypochondroplasia (HCH). Identifiers: Orphanet 429, MedGen C0410529, MONDO:0007793, OMIM 146000. Disease mechanism: gain of function.
Muenke syndrome (MNKES). Also called: MUENKE NONSYNDROMIC CORONAL CRANIOSYNOSTOSIS. Identifiers: Orphanet 53271, MedGen C1864436, MONDO:0011274, OMIM 602849.
Cervical cancer. Also called: Cancer of cervix; Cervical cancer, somatic; Cervix cancer. Identifiers: MedGen C4048328, MONDO:0002974, OMIM 603956, HP:0030079.
Carcinoma of colon (CRC). Also called: Colonic carcinoma; Colon carcinoma. Identifiers: MedGen C0699790, MONDO:0002032.
Severe achondroplasia-developmental delay-acanthosis nigricans syndrome. Also called: Severe achondroplasia with developmental delay and acanthosis nigricans; SADDAN dysplasia. Identifiers: Orphanet 85165, MedGen C2674173, MONDO:0014658, OMIM 616482.
Malignant tumor of testis. Also called: Testicular cancer. Identifiers: MedGen C0153594, MONDO:0005447.
Epidermal nevus. Also called: NEVUS, KERATINOCYTIC, NONEPIDERMOLYTIC; Nevus, epidermal, somatic. Identifiers: Orphanet 79414, MedGen C0334082, MONDO:0008093, OMIM 162900, HP:0010816.
Camptodactyly-tall stature-scoliosis-hearing loss syndrome. Also called: CATSHL SYNDROME. Identifiers: Orphanet 85164, MedGen C1864852, MONDO:0012504, OMIM 610474.
FGFR3-related chondrodysplasia. Identifiers: Orphanet 93420, MedGen C5681604, MONDO:0019685.
Lacrimoauriculodentodigital syndrome 2 (LADD2). Also called: LADD SYNDROME 2. Identifiers: MedGen C5774286, MONDO:0859577, OMIM 620192.
Germ cell tumor of testis (TGCT). Also called: GERM CELL TUMOR, SOMATIC; Testicular germ cell tumor. Identifiers: Orphanet 363504, MedGen C1336708, MONDO:0010108, OMIM 273300.
Colorectal cancer. Also called: Colorectal cancer, somatic; Malignant Colorectal Neoplasm. Identifiers: MedGen C0346629, MONDO:0005575, OMIM 114500.
FGFR3-related disorder. Also called: FGFR3-related disorders.
Connective tissue disorder. Also called: Connective tissue disease. Identifiers: MedGen C0009782, MONDO:0003900.
Chondrodysplasia. Identifiers: MedGen C0343284, MONDO:0022723.
Multiple myeloma (MM). Also called: Plasma cell myeloma; Multiple myeloma, somatic. Identifiers: Orphanet 29073, Orphanet 85443, MedGen C0026764, MeSH D009101, MONDO:0009693, OMIM 254500, HP:0006775.
Seborrheic keratosis. Also called: Keratosis, seborrheic, somatic. Identifiers: MedGen C0022603, MONDO:0008420, OMIM 182000, HP:0031287.
SKELETAL DYSPLASIA WITH ACANTHOSIS NIGRICANS. Identifiers: MedGen C1851152.
Lower limb undergrowth. Identifiers: MedGen C0345371, HP:0009816.
Bowed humerus. Identifiers: MedGen C1859460, HP:0003865.
Upper limb undergrowth. Identifiers: MedGen C1837406, HP:0009824.
Growth delay. Also called: Growth retardation. Identifiers: MedGen C0456070, HP:0001510.
Skeletal dysplasia. Also called: Primary bone dysplasia. Identifiers: Orphanet 364526, MedGen C0410528, MONDO:0018230, HP:0002652.
Small for gestational age. Also called: Low birth weight. Identifiers: MedGen C0235991, HP:0001518.
Disproportionate short-limb short stature. Identifiers: MedGen C1849937, HP:0008873.
Lethal short-limbed short stature. Identifiers: MedGen C2674171, HP:0008909.
Short stature. Identifiers: MedGen C0349588, HP:0004322.
Femoral bowing. Identifiers: MedGen C1859461, HP:0002980.
Short ribs. Identifiers: MedGen C0426817, HP:0000773.
Narrow chest. Identifiers: MedGen C0426790, HP:0000774.
Bell-shaped thorax. Identifiers: MedGen C1865186, HP:0001591.
Hamartoma. Identifiers: MedGen C0018552, MONDO:0006499, HP:0010566.

Submissions 1 to 7 of 63:

OLLIN Analises Genomicas, OLLIN
Classification: Pathogenic for Thanatophoric dysplasia, type 2. Last evaluated: 2026-08-06. Review status: criteria provided, single submitter. Criteria: ACMG Guidelines 2015 PMID 25741868. Collection method: clinical testing. Allele origin: de novo. Inheritance: Autosomal dominant inheritance.
Comment: This missense variant, located in exon 7 (of 18), is absent from gnomAD but has been reported in ClinVar (accession VCV000016332.120) and in the scientific literature, also being identified de novo, in individuals with FGFR3 related disorders (PMID: 7773297, 1908846, 25606676). Functional studies suggest that this variant may affect protein function, and in silico analysis predicts a deleterious effect (PMID: 1908846, 25606676). According to the currently available evidence, this variant has been classified as pathogenic (PS2_VS, PS3_P, PS4, PM2_P, PP3_M, PP4_S).

Genomenon, Inc
Classification: Pathogenic for Epidermal nevus; FGFR3-related chondrodysplasia. Last evaluated: 2026-06-23. Review status: criteria provided, single submitter. Criteria: Genomenon Sequence Variant Interpretation Standards - Updated. Collection method: curation. Allele origin: germline. Affected: yes.
Comment: FGFR3 p.Arg248Cys (c.742C>T) is a missense variant that changes the amino acid at codon 248 from Arginine to Cysteine. This variant has been observed in multiple probands with an FGFR3-related disorder (PMID:9677066;8845844;22106050;21639936;19752524;31994750). A de novo occurrence of this variant has been observed in multiple affected individuals (PMID:19752524;31994750;22106050). At least one functional study has demonstrated a substantial alteration in protein function relative to the wild-type (PMID:9438390;25606676). This variant is located in a mutational hotspot and/or important functional domain. It is absent or not present at a significant frequency in gnomAD. In silico models predict that this variant is possibly or probably damaging. In conclusion, we classify FGFR3 p.Arg248Cys (c.742C>T) as a pathogenic variant.

Genetics Laboratory, Great Ormond Street Hospital NHS Foundation Trust, North Thames Genomic Laboratory Hub
Classification: Pathogenic for Fetal anomalies with a likely genetic cause. Last evaluated: 2026-02-03. Review status: criteria provided, single submitter. Criteria: ACGS Best Practice Guidelines for Variant Classification in Rare Disease 2024 v1.2. Collection method: clinical testing. Allele origin: germline. Affected: yes.
Comment: PS4_moderate, PM2_moderate, PP3_supporting, PS3_moderate, PS2_very-strong

CeGaT Center for Human Genetics Tuebingen
Classification: Pathogenic. Last evaluated: 2025-12-01. Review status: criteria provided, single submitter. Criteria: CeGaT Center For Human Genetics Tuebingen Variant Classification Criteria Version 2. Collection method: clinical testing. Allele origin: germline. Affected: yes. Observed: 3 variant alleles.
Comment: FGFR3: PS2:Very Strong, PM2, PS4:Moderate, PP3, PS3:Supporting

Dasa
Classification: Pathogenic for Thanatophoric dysplasia type 1. Last evaluated: 2025-11-14. Review status: criteria provided, single submitter. Criteria: DASA Assertion Criteria. Collection method: clinical testing. Allele origin: germline. Observed: 1 variant allele.
Comment: NM_000142.5(FGFR3):c.742C>T (p.Arg248Cys) introduces an arginine-to-cysteine substitution leading to aberrant receptor activation. Functional studies support a pathogenic effect, and this variant is recurrently observed in individuals with FGFR3-related skeletal dysplasia. Based on the available data, this variant is classified as Pathogenic.

Labcorp Genetics (formerly Invitae), Labcorp
Classification: Pathogenic. Last evaluated: 2025-08-03. Review status: criteria provided, single submitter. Criteria: Invitae Variant Classification Sherloc (09022015). Collection method: clinical testing. Allele origin: germline.
Comment: This sequence change replaces arginine, which is basic and polar, with cysteine, which is neutral and slightly polar, at codon 248 of the FGFR3 protein (p.Arg248Cys). This variant is not present in population databases (gnomAD no frequency). This missense change has been observed in individual(s) with thanatophoric dysplasia (PMID: 7773297, 10696568, 11241532). In at least one individual the variant was observed to be de novo. ClinVar contains an entry for this variant (Variation ID: 16332). An algorithm developed to predict the effect of missense changes on protein structure and function (PolyPhen-2) suggests that this variant is likely to be disruptive. Experimental studies have shown that this missense change affects FGFR3 function (PMID: 1908846, 25606676). For these reasons, this variant has been classified as Pathogenic.

Revvity Omics, Revvity
Classification: Pathogenic. Last evaluated: 2025-07-07. Review status: criteria provided, single submitter. Criteria: ACMG Guidelines, 2015. Collection method: clinical testing. Allele origin: germline.

NM_000142.5(FGFR3):c.742C>T (p.Arg248Cys)

Gene: FGFR3 (fibroblast growth factor receptor 3; plus strand). Cytogenetic location: 4p16.3.
Variant type: single nucleotide variant.
Coding change: c.742C>T on transcript NM_000142.5 (MANE Select); coding-DNA position 742, C replaced by T.
Protein change: p.Arg248Cys; replaces arginine 248 with cysteine.
Molecular consequence: missense variant. On other transcripts: non-coding transcript variant (1).
Genome position (GRCh38, 1-based): chr4:1,801,837, C>T. VCF-style: chr4-1801837-C-T. GRCh37 (hg19) VCF-style: chr4-1803564-C-T.
Other names: c.742C>T, p.Arg248Cys (NM_001163213.2, NM_001354809.2, NM_001354810.2 and 1 more transcripts); c.742c>T (NM_001163213.1); c.742C>T (LRG_1021t1); short protein forms R248C.
Identifiers: ClinVar variation 16332 (VCV000016332.126), dbSNP rs121913482, ClinGen allele CA126378.